The following is an entry in ClinVar:

NM_005228.5(EGFR):c.2863G>C (p.Ala955Pro)

Gene: EGFR (epidermal growth factor receptor; plus strand). Cytogenetic location: 7p11.2.
Variant type: single nucleotide variant.
Coding change: c.2863G>C on transcript NM_005228.5 (MANE Select); coding-DNA position 2863, G replaced by C.
Protein change: p.Ala955Pro; replaces alanine 955 with proline.
Molecular consequence: missense variant.
Genome position (GRCh38, 1-based): chr7:55,200,330, G>C. VCF-style: chr7-55200330-G-C. GRCh37 (hg19) VCF-style: chr7-55268023-G-C.
Other names: c.2728G>C, p.Ala910Pro (NM_001346897.2, NM_001346899.2); c.2863G>C, p.Ala955Pro (NM_001346898.2); c.2704G>C, p.Ala902Pro (NM_001346900.2); c.2062G>C, p.Ala688Pro (NM_001346941.2); short protein forms A902P, A910P, A955P, A688P.
Identifiers: ClinVar variation 1367512 (VCV001367512.4), dbSNP rs201830126, ClinGen allele CA367581728.

ClinVar aggregate classification (germline): Uncertain significance (1 of 4 stars; one submission).

Conditions:
EGFR-related lung cancer (EGFR). Identifiers: MedGen CN130014.

gnomAD v4.1: 1 of 1,614,054 alleles (0.000062%); highest among the groups gnomAD compares: Non-Finnish European, 0.000085%; no homozygotes.

Submission:

Labcorp Genetics (formerly Invitae), Labcorp
Classification: Uncertain significance for EGFR-related lung cancer. Last evaluated: 2025-06-09. Review status: criteria provided, single submitter. Criteria: Invitae Variant Classification Sherloc (09022015). Collection method: clinical testing. Allele origin: germline.
Comment: This sequence change replaces alanine, which is neutral and non-polar, with proline, which is neutral and non-polar, at codon 955 of the EGFR protein (p.Ala955Pro). This variant is not present in population databases (gnomAD no frequency). This variant has not been reported in the literature in individuals affected with EGFR-related conditions. ClinVar contains an entry for this variant (Variation ID: 1367512). Invitae Evidence Modeling of protein sequence and biophysical properties (such as structural, functional, and spatial information, amino acid conservation, physicochemical variation, residue mobility, and thermodynamic stability) indicates that this missense variant is not expected to disrupt EGFR protein function with a negative predictive value of 80%. In summary, the available evidence is currently insufficient to determine the role of this variant in disease. Therefore, it has been classified as a Variant of Uncertain Significance.